The following is an entry in ClinVar:

NM_000089.4(COL1A2):c.587G>T (p.Gly196Val)

Gene: COL1A2 (collagen type I alpha 2 chain; plus strand). Cytogenetic location: 7q21.3.
Variant type: single nucleotide variant.
Coding change: c.587G>T on transcript NM_000089.4 (MANE Select); coding-DNA position 587, G replaced by T.
Protein change: p.Gly196Val; replaces glycine 196 with valine.
Molecular consequence: missense variant.
Genome position (GRCh38, 1-based): chr7:94,406,296, G>T. VCF-style: chr7-94406296-G-T. GRCh37 (hg19) VCF-style: chr7-94035608-G-T.
Other names: short protein forms G196V.
Identifiers: ClinVar variation 2136560 (VCV002136560.4), dbSNP rs2484702812, ClinGen allele CA368220099.

ClinVar aggregate classification (germline): Pathogenic (1 of 4 stars; one submission).

Conditions:
Ehlers-Danlos syndrome, classic type, 1 (EDSCL1). Also called: Ehlers-Danlos Syndrome, Classic Type, COL5A1-Related; EHLERS-DANLOS SYNDROME, GRAVIS TYPE; EHLERS-DANLOS SYNDROME, SEVERE CLASSIC TYPE; Ehlers-Danlos syndrome, type 1; EDS I. Identifiers: MedGen C0268335, MONDO:0019567, OMIM 130000.
Osteogenesis imperfecta type I (OI1). Also called: OI, TYPE I; OSTEOGENESIS IMPERFECTA TARDA; OSTEOGENESIS IMPERFECTA WITH BLUE SCLERAE; Osteogenesis imperfecta type 1; Classic Non-deforming Osteogenesis Imperfecta with Blue Sclerae; Lobstein's Disease. Identifiers: Orphanet 216796, Orphanet 666, MedGen C0023931, MONDO:0008146, OMIM 166200. Disease mechanism: loss of function.

Submission:

Labcorp Genetics (formerly Invitae), Labcorp
Classification: Pathogenic for Osteogenesis imperfecta type I; Ehlers-Danlos syndrome, classic type, 1. Last evaluated: 2022-08-31. Review status: criteria provided, single submitter. Criteria: Invitae Variant Classification Sherloc (09022015). Collection method: clinical testing. Allele origin: germline.
Comment: Advanced modeling of protein sequence and biophysical properties (such as structural, functional, and spatial information, amino acid conservation, physicochemical variation, residue mobility, and thermodynamic stability) performed at Invitae indicates that this missense variant is expected to disrupt COL1A2 protein function. This missense change has been observed in individual(s) with autosomal dominant COL1A2-related conditions (PMID: 23692737). This variant is not present in population databases (gnomAD no frequency). This sequence change replaces glycine, which is neutral and non-polar, with valine, which is neutral and non-polar, at codon 196 of the COL1A2 protein (p.Gly196Val). This variant disrupts the triple helix domain of COL1A2. Glycine residues within the Gly-Xaa-Yaa repeats of the triple helix domain are required for the structure and stability of fibrillar collagens (PMID: 7695699, 8218237, 19344236). In COL1A2, variants affecting these glycine residues are significantly enriched in individuals with disease (PMID: 9016532, 17078022) compared to the general population (ExAC). For these reasons, this variant has been classified as Pathogenic. This variant disrupts the p.Gly196 amino acid residue in COL1A2. Other variant(s) that disrupt this residue have been observed in individuals with COL1A2-related conditions (PMID: 21667357, 22753364, 23692737, 30886339), which suggests that this may be a clinically significant amino acid residue.

Literature cited by the submitters: PubMed 23692737; PubMed 7695699; PubMed 8218237; PubMed 19344236; PubMed 9016532; PubMed 17078022; PubMed 21667357; PubMed 22753364; PubMed 30886339.